The following is an entry in ClinVar:

ClinVar aggregate classification (germline): Uncertain significance (1 of 4 stars; one submission).

Submission:

Labcorp Genetics (formerly Invitae), Labcorp
Classification: Uncertain significance. Last evaluated: 2022-06-04. Review status: criteria provided, single submitter. Criteria: Invitae Variant Classification Sherloc (09022015). Collection method: clinical testing. Allele origin: germline.
Comment: In summary, the available evidence is currently insufficient to determine the role of this variant in disease. Therefore, it has been classified as a Variant of Uncertain Significance. Advanced modeling of protein sequence and biophysical properties (such as structural, functional, and spatial information, amino acid conservation, physicochemical variation, residue mobility, and thermodynamic stability) performed at Invitae indicates that this missense variant is not expected to disrupt CPLANE1 protein function. This variant has not been reported in the literature in individuals affected with CPLANE1-related conditions. This variant is not present in population databases (gnomAD no frequency). This sequence change replaces proline, which is neutral and non-polar, with alanine, which is neutral and non-polar, at codon 2571 of the CPLANE1 protein (p.Pro2571Ala).

NM_001384732.1(CPLANE1):c.7711C>G (p.Pro2571Ala)

Gene: CPLANE1 (ciliogenesis and planar polarity effector complex subunit 1; minus strand). Cytogenetic location: 5p13.2.
Variant type: single nucleotide variant.
Coding change: c.7711C>G on transcript NM_001384732.1 (MANE Select); coding-DNA position 7711, C replaced by G.
Protein change: p.Pro2571Ala; replaces proline 2571 with alanine.
Molecular consequence: missense variant.
Genome position (GRCh38, 1-based): chr5:37,158,325, G>C on the plus strand (C>G on the coding strand, the complement: CPLANE1 is on the minus strand). VCF-style: chr5-37158325-G-C. GRCh37 (hg19) VCF-style: chr5-37158427-G-C.
Other names: c.7711C>G, p.Pro2571Ala (NM_023073.4); short protein forms P2571A.
Identifiers: ClinVar variation 2047294 (VCV002047294.4), dbSNP rs1413219707, ClinGen allele CA359475494.